The following is an entry in ClinVar:

ClinVar aggregate classification (germline): Pathogenic (1 of 4 stars; one submission).

Allele frequency attached by ClinVar (database versions not stated): gnomAD exomes below 0.00001.
gnomAD v4.1: 2 of 1,606,804 alleles (0.00012%); highest among the groups gnomAD compares: South Asian, 0.0011%; no homozygotes.

Submission:

GeneDx
Classification: Pathogenic. Last evaluated: 2018-02-01. Review status: criteria provided, single submitter. Criteria: GeneDx Variant Classification (06012015). Collection method: clinical testing. Allele origin: germline. Affected: yes.
Comment: The Q2538X pathogenic variant in the PLEC gene has been reported previously in association with EB with pyloric atresia in a neonate (Nakamura et al., 2005). This variant is predicted to cause loss of normal protein function either through protein truncation, as the last 2,037 amino acids are lost. The Q2538X variant was not observed in approximately 6,500 individuals of European and African American ancestry in the NHLBI Exome Sequencing Project, indicating it is not a common benign variant in these populations. We interpret Q2538X as a pathogenic variant.

NM_201384.3(PLEC):c.7531C>T (p.Gln2511Ter)

Gene: PLEC (plectin; minus strand). Cytogenetic location: 8q24.3.
Variant type: single nucleotide variant.
Coding change: c.7531C>T on transcript NM_201384.3 (MANE Select); coding-DNA position 7531, C replaced by T.
Protein change: p.Gln2511Ter; replaces glutamine 2511 with a stop codon.
Molecular consequence: nonsense.
Genome position (GRCh38, 1-based): chr8:143,922,290, G>A on the plus strand (C>T on the coding strand, the complement: PLEC is on the minus strand). VCF-style: chr8-143922290-G-A. GRCh37 (hg19) VCF-style: chr8-144996458-G-A.
Other names: c.7942C>T, p.Gln2648Ter (NM_201380.4); c.7435C>T, p.Gln2479Ter (NM_201381.3); c.7531C>T, p.Gln2511Ter (NM_201382.4); c.7543C>T, p.Gln2515Ter (NM_201383.3); c.7612C>T, p.Gln2538Ter (NM_000445.5); c.7489C>T, p.Gln2497Ter (NM_201378.4); c.7465C>T, p.Gln2489Ter (NM_201379.3); short protein forms Q2479*, Q2489*, Q2497*, Q2511*, Q2515*, Q2538*, Q2648*.
Identifiers: ClinVar variation 372709 (VCV000372709.2), dbSNP rs1057517938, ClinGen allele CA16042614.